The following is an entry in ClinVar:

ClinVar aggregate classification (germline): Benign (3 of 4 stars; one submission).

Conditions:
Breast-ovarian cancer, familial, susceptibility to, 2 (BROVCA2). Also called: BRCA2 Hereditary Breast and Ovarian Cancer. Identifiers: Orphanet 145, MedGen C2675520, MONDO:0012933, OMIM 612555. Disease mechanism: loss of function.

Submission:

Evidence-based Network for the Interpretation of Germline Mutant Alleles (ENIGMA)
Classification: Benign for Breast-ovarian cancer, familial, susceptibility to, 2. Last evaluated: 2016-09-28. Review status: reviewed by expert panel. Criteria: ENIGMA BRCA1/2 Classification Criteria (2015). Collection method: curation. Allele origin: germline.
Comment: Class 1 not pathogenic based on frequency >1% in an outbred sampleset. Frequency 0.2654 (European), 0.2005 (African), 0.2478 (Admixed American/Latino), 0.3651 (East Asian), 0.1861 (South Asian), derived from 1000 genomes (2013-05-02).

NM_000059.4(BRCA2):c.8632+1910dup

Gene: BRCA2 (BRCA2 DNA repair associated; plus strand). Cytogenetic location: 13q13.1.
Variant type: Duplication.
Coding change: c.8632+1910dup on transcript NM_000059.4 (MANE Select); 1910 bases into the intron after coding-DNA position 8632, one base duplicated (T; older notation c.8632+1910dupT).
Molecular consequence: intron variant.
Genome position (GRCh38, 1-based): chr13:32,373,010, T duplicated; the last of 14 consecutive T bases (chr13:32,372,997-32,373,010); duplicating any one gives the same sequence. VCF-style (leftmost placement, unchanged base first): chr13-32372996-C-CT. GRCh37 (hg19) VCF-style: chr13-32947133-C-CT.
Identifiers: ClinVar variation 264946 (VCV000264946.1), dbSNP rs35596121, ClinGen allele CA10588145.